The following is an entry in ClinVar:

ClinVar aggregate classification (germline): Uncertain significance (1 of 4 stars; one submission).

Conditions:
Intellectual disability, X-linked, with or without seizures, ARX-related. Also called: MENTAL RETARDATION, X-LINKED 29; MENTAL RETARDATION, X-LINKED 32; MENTAL RETARDATION, X-LINKED 33; MENTAL RETARDATION, X-LINKED 38; MENTAL RETARDATION, X-LINKED 43; MENTAL RETARDATION, X-LINKED 76. Identifiers: Orphanet 777, MedGen C0796244, MONDO:0010317, OMIM 300419.
Developmental and epileptic encephalopathy, 1 (DEE1). Also called: Epileptic encephalopathy, early infantile, 1; INFANTILE SPASM SYNDROME, X-LINKED 1; X-linked infantile spasms; West's syndrome; Tonic spasms with clustering, arrest of psychomotor development and hypsarrhythmia on EEG; X-Linked Infantile Spasm Syndrome. Identifiers: MedGen C3463992, MONDO:0010632, OMIM 308350. Disease mechanism: loss of function.

Submission:

Labcorp Genetics (formerly Invitae), Labcorp
Classification: Uncertain significance for Developmental and epileptic encephalopathy, 1; Intellectual disability, X-linked, with or without seizures, ARX-related. Last evaluated: 2024-06-22. Review status: criteria provided, single submitter. Criteria: Invitae Variant Classification Sherloc (09022015). Collection method: clinical testing. Allele origin: germline.
Comment: This sequence change replaces glycine, which is neutral and non-polar, with arginine, which is basic and polar, at codon 179 of the ARX protein (p.Gly179Arg). The frequency data for this variant in the population databases is considered unreliable, as metrics indicate insufficient coverage at this position in the gnomAD database. This variant has not been reported in the literature in individuals affected with ARX-related conditions. ClinVar contains an entry for this variant (Variation ID: 1009217). Advanced modeling of protein sequence and biophysical properties (such as structural, functional, and spatial information, amino acid conservation, physicochemical variation, residue mobility, and thermodynamic stability) performed at Invitae indicates that this missense variant is not expected to disrupt ARX protein function with a negative predictive value of 95%. In summary, the available evidence is currently insufficient to determine the role of this variant in disease. Therefore, it has been classified as a Variant of Uncertain Significance.

NM_139058.3(ARX):c.535G>C (p.Gly179Arg)

Gene: ARX (aristaless related homeobox; minus strand). Cytogenetic location: Xp21.3.
Variant type: single nucleotide variant.
Coding change: c.535G>C on transcript NM_139058.3 (MANE Select); coding-DNA position 535, G replaced by C.
Protein change: p.Gly179Arg; replaces glycine 179 with arginine.
Molecular consequence: missense variant.
Genome position (GRCh38, 1-based): chrX:25,013,460, C>G on the plus strand (G>C on the coding strand, the complement: ARX is on the minus strand). VCF-style: chrX-25013460-C-G. GRCh37 (hg19) VCF-style: chrX-25031577-C-G.
Other names: short protein forms G179R.
Identifiers: ClinVar variation 1009217 (VCV001009217.9), dbSNP rs2048711615, ClinGen allele CA412612963.
Genomic context (GRCh38, chrX:25,013,460, plus strand): 5'-TGACGCCCCCCGGGCCGCCCAGCTCGTCCAGCGCGGGCGGCGGCGGCACGAAGGGCGCCC[C>G]GTTCTCGCGGTACGACTTGCTGCGGCTGATGCTCACCTGCGGCGCCTGGCTGATCTTGAG-3'
Protein context (NP_620689.1, residues 169-189): ISRSKSYREN[Gly179Arg]APFVPPPPAL